The following is an entry in ClinVar:

ClinVar aggregate classification (germline): Uncertain significance (1 of 4 stars; one submission).

Conditions:
Gorlin syndrome. Also called: Basal cell nevus syndrome; Nevoid Basal Cell Carcinoma Syndrome. Identifiers: Orphanet 377, MedGen C0004779, MONDO:0007187.

Submission:

Labcorp Genetics (formerly Invitae), Labcorp
Classification: Uncertain significance for Gorlin syndrome. Last evaluated: 2020-03-17. Review status: criteria provided, single submitter. Criteria: Invitae Variant Classification Sherloc (09022015). Collection method: clinical testing. Allele origin: germline.
Comment: This variant has not been reported in the literature in individuals with PTCH2-related conditions. This variant is not present in population databases (ExAC no frequency). This sequence change creates a premature translational stop signal (p.Pro17Glnfs*10) in the PTCH2 gene. It is expected to result in an absent or disrupted protein product. In summary, the available evidence is currently insufficient to determine the role of this variant in disease. Therefore, it has been classified as a Variant of Uncertain Significance. The current clinical and genetic evidence is not sufficient to establish whether loss-of-function variants in PTCH2 cause disease.

NM_003738.5(PTCH2):c.50del (p.Pro17fs)

Gene: PTCH2 (patched 2; minus strand). Cytogenetic location: 1p34.1.
Variant type: Deletion.
Coding change: c.50del on transcript NM_003738.5 (MANE Select); coding-DNA position 50, one base deleted (C; older notation c.50delC).
Protein change: p.Pro17fs; shifts the reading frame from proline 17.
Molecular consequence: frameshift variant.
Genome position (GRCh38, 1-based): chr1:44,842,883, G deleted on the plus strand (C on the coding strand, the reverse complement: PTCH2 is on the minus strand); the first of 5 consecutive G bases (chr1:44,842,883-44,842,887); deleting any one gives the same sequence. VCF-style (leftmost placement, unchanged base first): chr1-44842882-TG-T. GRCh37 (hg19) VCF-style: chr1-45308554-TG-T.
Other names: c.50del, p.Pro17fs (NM_001166292.2); short protein forms P17fs.
Identifiers: ClinVar variation 999836 (VCV000999836.7), dbSNP rs1654017720, ClinGen allele CA2473516966.